The following is an entry in ClinVar:

ClinVar aggregate classification (germline): Likely pathogenic (1 of 4 stars; one submission).

Conditions:
Mucopolysaccharidosis, MPS-II (MPS2). Also called: Attenuated MPS (subtype; formerly known as mild MPS II); Severe MPS II; I2S deficiency; MPS 2; Hunter Syndrome; IDURONATE 2-SULFATASE DEFICIENCY. Identifiers: Orphanet 580, Orphanet 79388, MedGen C0026705, MONDO:0010674, OMIM 309900.

Submission:

Foundation for Research in Genetics and Endocrinology, FRIGE's Institute of Human Genetics
Classification: Likely pathogenic for Mucopolysaccharidosis, MPS-II. Last evaluated: 2025-10-27. Review status: criteria provided, single submitter. Criteria: ACMG Guidelines, 2015. Collection method: clinical testing. Allele origin: unknown. Inheritance: X-linked recessive inheritance. Affected: yes. Observed: 1 hemizygote.
Comment: A hemizygous single base pair deletion in exon 2 of the IDS gene (chrX:g.148585796AC>A) that results in a frameshift and premature truncation of the protein 16 amino acids downstream to codon 44 was detected. This variant has not been reported in the 1000 genomes and gnomAD databases. The in silico prediction of the variant is damaging by MutationTaster2.

NM_000202.8(IDS):c.130del (p.Val44fs)

Gene: IDS (iduronate 2-sulfatase; minus strand). Cytogenetic location: Xq28.
Variant type: Deletion.
Coding change: c.130del on transcript NM_000202.8 (MANE Select); coding-DNA position 130, one base deleted (G; older notation c.130delG).
Protein change: p.Val44fs; shifts the reading frame from valine 44.
Molecular consequence: frameshift variant. On other transcripts: 5 prime UTR variant (1), non-coding transcript variant (1).
Genome position (GRCh38, 1-based): chrX:149,504,267, C deleted on the plus strand (G on the coding strand, the reverse complement: IDS is on the minus strand). VCF-style (leftmost placement, unchanged base first): chrX-149504266-AC-A. GRCh37 (hg19) VCF-style: chrX-148585796-AC-A.
Other names: p.Val44TrpfsTer16; c.-97del (NM_001166550.4); c.130del, p.Val44fs (NM_006123.5); short protein forms V44fs.
Identifiers: ClinVar variation 4532261 (VCV004532261.1).